The following is an entry in ClinVar:

ClinVar aggregate classification (germline): Likely benign. Review status: criteria provided, multiple submitters, no conflicts (2 of 4 stars). 3 submissions from 3 submitters: Likely benign (2). 1 of the submissions does not count toward it. Last evaluated 2024-08-21.

Conditions:
KCNMA1-related disorder. Also called: KCNMA1-related condition; KCNMA1-related disorders.

Allele frequency attached by ClinVar (database versions not stated): gnomAD exomes 0.00012; 1000 Genomes Project 0.00140; 1000 Genomes Project 30x 0.00156; gnomAD 0.00204; TOPMed 0.00214.
gnomAD v4.1: 475 of 1,411,542 alleles (0.034%); highest among the groups gnomAD compares: African/African-American, 0.64%; 1 homozygote.

Submissions (3):

Blueprint Genetics
Classification: Likely benign. Last evaluated: 2024-08-21. Review status: criteria provided, single submitter. Criteria: ACMG Guidelines, 2015. Collection method: clinical testing. Allele origin: germline.

CeGaT Center for Human Genetics Tuebingen
Classification: Likely benign. Last evaluated: 2024-03-01. Review status: criteria provided, single submitter. Criteria: CeGaT Center For Human Genetics Tuebingen Variant Classification Criteria Version 2. Collection method: clinical testing. Allele origin: germline. Affected: yes. Observed: 1 variant allele.
Comment: KCNMA1: BS2

PreventionGenetics, part of Exact Sciences
Classification: Likely benign for KCNMA1-related condition. Last evaluated: 2022-12-09. Review status: no assertion criteria provided. Collection method: clinical testing. Allele origin: germline. Not counted in ClinVar's aggregate classification.
Comment: This variant is classified as likely benign based on ACMG/AMP sequence variant interpretation guidelines (Richards et al. 2015 PMID: 25741868, with internal and published modifications).

NM_001161352.2(KCNMA1):c.378+266G>A

Gene: KCNMA1 (potassium calcium-activated channel subfamily M alpha 1; minus strand). Cytogenetic location: 10q22.3.
Variant type: single nucleotide variant.
Coding change: c.378+266G>A on transcript NM_001161352.2 (MANE Select); 266 bases into the intron after coding-DNA position 378, G replaced by A.
Molecular consequence: intron variant. On other transcripts: nonsense (2).
Genome position (GRCh38, 1-based): chr10:77,636,999, C>T on the plus strand (G>A on the coding strand, the complement: KCNMA1 is on the minus strand). VCF-style: chr10-77636999-C-T. GRCh37 (hg19) VCF-style: chr10-79396757-C-T.
Other names: c.386G>A, p.Trp129Ter (NM_001271520.2, NM_001322839.2); c.378+266G>A (NM_001271518.2, NM_001322832.2, NM_001410940.1 and 11 more transcripts); short protein forms W129*.
Identifiers: ClinVar variation 3042344 (VCV003042344.23), dbSNP rs544847279, ClinGen allele CA210159488.